The following is an entry in ClinVar:

NM_000038.6(APC):c.5306A>T (p.Lys1769Ile)

Gene: APC (APC regulator of Wnt signaling pathway; plus strand). Cytogenetic location: 5q22.2.
Variant type: single nucleotide variant.
Coding change: c.5306A>T on transcript NM_000038.6 (MANE Select); coding-DNA position 5306, A replaced by T.
Protein change: p.Lys1769Ile; replaces lysine 1769 with isoleucine.
Molecular consequence: missense variant. On other transcripts: non-coding transcript variant (2).
Genome position (GRCh38, 1-based): chr5:112,840,900, A>T. VCF-style: chr5-112840900-A-T. GRCh37 (hg19) VCF-style: chr5-112176597-A-T.
Other names: c.5306A>T, p.Lys1769Ile (NM_001354895.2, NM_001407450.1, NM_001127510.3); c.5360A>T, p.Lys1787Ile (NM_001354896.2, NM_001407447.1, NM_001407448.1 and 1 more transcripts); c.5336A>T, p.Lys1779Ile (NM_001354897.2); c.5231A>T, p.Lys1744Ile (NM_001354898.2); c.5222A>T, p.Lys1741Ile (NM_001354899.2); c.5183A>T, p.Lys1728Ile (NM_001354900.2); c.5129A>T, p.Lys1710Ile (NM_001354901.2, NM_001407453.1); c.5003A>T, p.Lys1668Ile (NM_001354903.2, NM_001407458.1, NM_001407459.1 and 1 more transcripts); and 11 more; short protein forms K1486I, K1640I, K1668I, K1710I, K1728I, K1751I, K1797I, K1744I.
Identifiers: ClinVar variation 3635484 (VCV003635484.2).

ClinVar aggregate classification (germline): Uncertain significance (1 of 4 stars; one submission).

Conditions:
Familial adenomatous polyposis 1 (FAP1). Also called: FAMILIAL ADENOMATOUS POLYPOSIS 1, ATTENUATED; POLYPOSIS, ADENOMATOUS INTESTINAL. Identifiers: MedGen C2713442, MONDO:0021056, OMIM 175100. Disease mechanism: loss of function.

Submission:

Labcorp Genetics (formerly Invitae), Labcorp
Classification: Uncertain significance for Familial adenomatous polyposis 1. Last evaluated: 2024-08-14. Review status: criteria provided, single submitter. Criteria: Invitae Variant Classification Sherloc (09022015). Collection method: clinical testing. Allele origin: germline.
Comment: This sequence change replaces lysine, which is basic and polar, with isoleucine, which is neutral and non-polar, at codon 1769 of the APC protein (p.Lys1769Ile). This variant is not present in population databases (gnomAD no frequency). This variant has not been reported in the literature in individuals affected with APC-related conditions. Invitae Evidence Modeling of protein sequence and biophysical properties (such as structural, functional, and spatial information, amino acid conservation, physicochemical variation, residue mobility, and thermodynamic stability) indicates that this missense variant is not expected to disrupt APC protein function with a negative predictive value of 95%. In summary, the available evidence is currently insufficient to determine the role of this variant in disease. Therefore, it has been classified as a Variant of Uncertain Significance.